The following is an entry in ClinVar:

ClinVar aggregate classification (germline): Uncertain significance (1 of 4 stars; one submission).

gnomAD v4.1: 1 of 1,613,186 alleles (0.000062%); highest among the groups gnomAD compares: Non-Finnish European, 0.000085%; no homozygotes.

Submission:

CeGaT Center for Human Genetics Tuebingen
Classification: Uncertain significance. Last evaluated: 2024-11-01. Review status: criteria provided, single submitter. Criteria: CeGaT Center For Human Genetics Tuebingen Variant Classification Criteria Version 2. Collection method: clinical testing. Allele origin: germline. Affected: yes. Observed: 1 variant allele.
Comment: DST: PM2, BP4

NM_001374736.1(DST):c.5329G>A (p.Val1777Ile)

Gene: DST (dystonin; minus strand). Cytogenetic location: 6p12.1.
Variant type: single nucleotide variant.
Coding change: c.5329G>A on transcript NM_001374736.1 (MANE Select); coding-DNA position 5329, G replaced by A.
Protein change: p.Val1777Ile; replaces valine 1777 with isoleucine.
Molecular consequence: missense variant. On other transcripts: intron variant (6).
Genome position (GRCh38, 1-based): chr6:56,609,299, C>T on the plus strand (G>A on the coding strand, the complement: DST is on the minus strand). VCF-style: chr6-56609299-C-T. GRCh37 (hg19) VCF-style: chr6-56474097-C-T.
Other names: c.5329G>A, p.Val1777Ile (NM_001374722.1); c.4696G>A, p.Val1566Ile (NM_001374729.1); c.5356G>A, p.Val1786Ile (NM_001374734.1); c.5184+1128G>A (NM_001144769.5); c.4770+1128G>A (NM_001144770.2); c.4650+1128G>A (NM_001374730.1, NM_001386100.1, NM_183380.4); c.3672+1128G>A (NM_015548.5); short protein forms V1566I, V1777I, V1786I.
Identifiers: ClinVar variation 3390032 (VCV003390032.14).
Genomic context (GRCh38, chr6:56,609,299, plus strand): 5'-ACCTAATTCCTGTGTCATAGTCAATGAGGCCTCTTAAAACTGCTTGAAAGACTGAAAGGA[C>T]TTCTCCAGTTGTCTGATCAATGGTGCCTGCAATCACTTTATCCAGCTGAAAGGAAAATGC-3'
Protein context (NP_001361665.1, residues 1767-1787): AGTIDQTTGE[Val1777Ile]LSVFQAVLRG